The following is an entry in ClinVar:

ClinVar aggregate classification (germline): Uncertain significance (1 of 4 stars; one submission).

Conditions:
Emery-Dreifuss muscular dystrophy (EDMD). Also called: Scapuloperoneal syndrome, X-linked (formerly); Humeroperoneal neuromuscular disease, (formerly). Identifiers: Orphanet 261, MedGen C0410189, MONDO:0016830.

gnomAD v4.1: 1 of 1,614,244 alleles (0.000062%); highest among the groups gnomAD compares: Non-Finnish European, 0.000085%; no homozygotes.

Submission:

Labcorp Genetics (formerly Invitae), Labcorp
Classification: Uncertain significance for Emery-Dreifuss muscular dystrophy. Last evaluated: 2024-02-17. Review status: criteria provided, single submitter. Criteria: Invitae Variant Classification Sherloc (09022015). Collection method: clinical testing. Allele origin: germline.
Comment: This sequence change replaces proline, which is neutral and non-polar, with histidine, which is basic and polar, at codon 133 of the SUN1 protein (p.Pro133His). This variant is not present in population databases (gnomAD no frequency). This variant has not been reported in the literature in individuals affected with SUN1-related conditions. ClinVar contains an entry for this variant (Variation ID: 1046692). Algorithms developed to predict the effect of missense changes on protein structure and function output the following: SIFT: "Not Available"; PolyPhen-2: "Probably Damaging"; Align-GVGD: "Not Available". The histidine amino acid residue is found in multiple mammalian species, which suggests that this missense change does not adversely affect protein function. In summary, the available evidence is currently insufficient to determine the role of this variant in disease. Therefore, it has been classified as a Variant of Uncertain Significance.

NM_001130965.3(SUN1):c.398C>A (p.Pro133His)

Gene: SUN1 (Sad1 and UNC84 domain containing 1; plus strand). Cytogenetic location: 7p22.3.
Variant type: single nucleotide variant.
Coding change: c.398C>A on transcript NM_001130965.3 (MANE Select); coding-DNA position 398, C replaced by A.
Protein change: p.Pro133His; replaces proline 133 with histidine.
Molecular consequence: missense variant. On other transcripts: 5 prime UTR variant (4), non-coding transcript variant (3).
Genome position (GRCh38, 1-based): chr7:842,077, C>A. VCF-style: chr7-842077-C-A. GRCh37 (hg19) VCF-style: chr7-881714-C-A.
Other names: c.398C>A, p.Pro133His (NM_001171944.2, NM_001171946.2, NM_001367633.1 and 34 more transcripts); c.461C>A, p.Pro154His (NM_001171945.2); c.-60C>A (NM_001367635.1); c.248C>A, p.Pro83His (NM_001367636.1, NM_001367637.1, NM_001367644.1 and 24 more transcripts); c.-170C>A (NM_001367639.1, NM_001367708.1); c.617C>A, p.Pro206His (NM_001367651.1); c.-364C>A (NM_001367658.1); c.209C>A, p.Pro70His (NM_001367695.1); short protein forms P206H, P83H, P154H, P70H, P133H.
Identifiers: ClinVar variation 1046692 (VCV001046692.8), dbSNP rs367835809, ClinGen allele CA366547089.